The following is an entry in ClinVar:

ClinVar aggregate classification (germline): Uncertain significance (1 of 4 stars; one submission).

Conditions:
Cardiovascular phenotype. Identifiers: MedGen CN230736.

Submission:

Ambry Genetics
Classification: Uncertain significance for Cardiovascular phenotype. Last evaluated: 2026-04-20. Review status: criteria provided, single submitter. Criteria: Ambry Variant Classification Scheme 2023. Collection method: clinical testing. Allele origin: germline.
Comment: The p.Q169P variant (also known as c.506A>C), located in coding exon 3 of the ACVRL1 gene, results from an A to C substitution at nucleotide position 506. The glutamine at codon 169 is replaced by proline, an amino acid with similar properties. This amino acid position is conserved. In addition, this alteration is predicted to be tolerated by in silico analysis. Based on the available evidence, the clinical significance of this variant remains unclear.

NM_000020.3(ACVRL1):c.506A>C (p.Gln169Pro)

Gene: ACVRL1 (activin A receptor like type 1; plus strand). Cytogenetic location: 12q13.13.
Variant type: single nucleotide variant.
Coding change: c.506A>C on transcript NM_000020.3 (MANE Select); coding-DNA position 506, A replaced by C.
Protein change: p.Gln169Pro; replaces glutamine 169 with proline.
Molecular consequence: missense variant. On other transcripts: intron variant (6).
Genome position (GRCh38, 1-based): chr12:51,913,751, A>C. VCF-style: chr12-51913751-A-C. GRCh37 (hg19) VCF-style: chr12-52307535-A-C.
Other names: c.506A>C, p.Gln169Pro (NM_001077401.2, NM_001406487.1, NM_001406488.1 and 1 more transcripts); c.313+401A>C (NM_001406491.1, NM_001406490.1, NM_001406492.1 and 2 more transcripts); c.62-688A>C (NM_001406495.1); short protein forms Q169P.
Identifiers: ClinVar variation 4867564 (VCV004867564.1).